The following is an entry in ClinVar:

NM_178822.5(IGSF10):c.2182C>T (p.Arg728Ter)

Gene: IGSF10 (immunoglobulin superfamily member 10; minus strand). Cytogenetic location: 3q25.1.
Variant type: single nucleotide variant.
Coding change: c.2182C>T on transcript NM_178822.5 (MANE Select); coding-DNA position 2182, C replaced by T.
Protein change: p.Arg728Ter; replaces arginine 728 with a stop codon.
Molecular consequence: nonsense.
Genome position (GRCh38, 1-based): chr3:151,447,799, G>A on the plus strand (C>T on the coding strand, the complement: IGSF10 is on the minus strand). VCF-style: chr3-151447799-G-A. GRCh37 (hg19) VCF-style: chr3-151165587-G-A.
Other names: c.2182C>T, p.Arg728Ter (NM_001385060.1, NM_001385061.1, NM_001385062.1 and 1 more transcripts); short protein forms R728*.
Identifiers: ClinVar variation 4708096 (VCV004708096.1).

ClinVar aggregate classification (germline): Uncertain significance (1 of 4 stars; one submission).

gnomAD v4.1: 24 of 1,613,972 alleles (0.0015%); highest among the groups gnomAD compares: Middle Eastern, 0.016%; no homozygotes.

Submission:

Labcorp Genetics (formerly Invitae), Labcorp
Classification: Uncertain significance. Last evaluated: 2025-12-21. Review status: criteria provided, single submitter. Criteria: Invitae Variant Classification Sherloc (09022015). Collection method: clinical testing. Allele origin: germline.
Comment: This sequence change creates a premature translational stop signal (p.Arg728*) in the IGSF10 gene. It is expected to result in an absent or disrupted protein product. However, the current clinical and genetic evidence is not sufficient to establish whether loss-of-function variants in IGSF10 cause disease. This variant is present in population databases (rs761470693, gnomAD 0.0008%). This variant has not been reported in the literature in individuals affected with IGSF10-related conditions. In summary, the available evidence is currently insufficient to determine the role of this variant in disease. Therefore, it has been classified as a Variant of Uncertain Significance.